The following is an entry in ClinVar:

ClinVar aggregate classification (germline): Uncertain significance. Review status: criteria provided, multiple submitters, no conflicts (2 of 4 stars). 2 submissions from 2 submitters: Uncertain significance (2). Last evaluated 2024-05-26.

Conditions:
Inborn genetic diseases. Identifiers: MedGen C0950123, MeSH D030342.
Combined immunodeficiency due to LRBA deficiency. Also called: Common variable immunodeficiency 8, with autoimmunity. Identifiers: Orphanet 445018, MedGen C3553512, MONDO:0013863, OMIM 614700.

Allele frequency attached by ClinVar (database versions not stated): TOPMed 0.00001; ExAC 0.00002; gnomAD exomes 0.00002.
gnomAD v4.1: 10 of 1,600,092 alleles (0.00062%); highest among the groups gnomAD compares: Admixed American, 0.0053%; no homozygotes.

Submissions (2):

Ambry Genetics
Classification: Uncertain significance for Inborn genetic diseases. Last evaluated: 2024-05-26. Review status: criteria provided, single submitter. Criteria: Ambry Variant Classification Scheme 2023. Collection method: clinical testing. Allele origin: germline.

Labcorp Genetics (formerly Invitae), Labcorp
Classification: Uncertain significance for Combined immunodeficiency due to LRBA deficiency. Last evaluated: 2021-08-31. Review status: criteria provided, single submitter. Criteria: Invitae Variant Classification Sherloc (09022015). Collection method: clinical testing. Allele origin: germline.
Comment: This sequence change replaces methionine with valine at codon 2227 of the LRBA protein (p.Met2227Val). The methionine residue is moderately conserved and there is a small physicochemical difference between methionine and valine. This variant is present in population databases (rs777246569, ExAC 0.006%). This variant has not been reported in the literature in individuals affected with LRBA-related conditions. Algorithms developed to predict the effect of missense changes on protein structure and function are either unavailable or do not agree on the potential impact of this missense change (SIFT: "Deleterious"; PolyPhen-2: "Probably Damaging"; Align-GVGD: "Class C0"). In summary, the available evidence is currently insufficient to determine the role of this variant in disease. Therefore, it has been classified as a Variant of Uncertain Significance.

NM_001364905.1(LRBA):c.6646A>G (p.Met2216Val)

Gene: LRBA (LPS responsive beige-like anchor protein; minus strand). Cytogenetic location: 4q31.3.
Variant type: single nucleotide variant.
Coding change: c.6646A>G on transcript NM_001364905.1 (MANE Select); coding-DNA position 6646, A replaced by G.
Protein change: p.Met2216Val; replaces methionine 2216 with valine.
Molecular consequence: missense variant.
Genome position (GRCh38, 1-based): chr4:150,471,645, T>C on the plus strand (A>G on the coding strand, the complement: LRBA is on the minus strand). VCF-style: chr4-150471645-T-C. GRCh37 (hg19) VCF-style: chr4-151392797-T-C.
Other names: c.6646A>G, p.Met2216Val (NM_001199282.3, NM_001367550.1); c.6679A>G, p.Met2227Val (NM_006726.5); short protein forms M2227V, M2216V.
Identifiers: ClinVar variation 1400132 (VCV001400132.6), dbSNP rs777246569, ClinGen allele CA3101864.